The following is an entry in ClinVar:

NM_058195.4(CDKN2A):c.15C>T (p.Phe5=)

Gene: CDKN2A (cyclin dependent kinase inhibitor 2A; minus strand). Cytogenetic location: 9p21.3.
Variant type: single nucleotide variant.
Coding change: c.15C>T on transcript NM_058195.4 (MANE Plus Clinical); coding-DNA position 15, C replaced by T.
Protein change: p.Phe5=; no amino-acid change (phenylalanine 5 retained).
Molecular consequence: synonymous variant. On other transcripts: intron variant (1).
Genome position (GRCh38, 1-based): chr9:21,994,317, G>A on the plus strand (C>T on the coding strand, the complement: CDKN2A is on the minus strand). VCF-style: chr9-21994317-G-A. GRCh37 (hg19) VCF-style: chr9-21994316-G-A.
Other names: c.-4+504C>T (NM_001363763.2).
Identifiers: ClinVar variation 1115574 (VCV001115574.6), dbSNP rs1587358694, ClinGen allele CA464100388.

ClinVar aggregate classification (germline): Benign/Likely benign. Review status: criteria provided, multiple submitters, no conflicts (2 of 4 stars). 2 submissions from 2 submitters: Benign (1); Likely benign (1). Last evaluated 2025-08-12.

Conditions:
Familial melanoma. Also called: Hereditary melanoma; Hereditary cutaneous melanoma. Identifiers: Orphanet 618, MedGen C1512419, MONDO:0018961.
Melanoma-pancreatic cancer syndrome. Identifiers: Orphanet 404560, MedGen C1838547, MONDO:0011713, OMIM 606719. Disease mechanism: loss of function.

Submissions (2):

Myriad Genetics, Inc.
Classification: Benign for Melanoma-pancreatic cancer syndrome. Last evaluated: 2025-08-12. Review status: criteria provided, single submitter. Criteria: Myriad Autosomal Dominant, Autosomal Recessive and X-Linked Classification Criteria (2023). Collection method: clinical testing. Allele origin: unknown.
Comment: This variant is considered benign. This variant is a silent/synonymous amino acid change and it is not expected to impact splicing.

Labcorp Genetics (formerly Invitae), Labcorp
Classification: Likely benign for Familial melanoma. Last evaluated: 2019-02-02. Review status: criteria provided, single submitter. Criteria: Invitae Variant Classification Sherloc (09022015). Collection method: clinical testing. Allele origin: germline.